The following is an entry in ClinVar:

NM_001384140.1(PCDH15):c.416A>T (p.Asp139Val)

Gene: PCDH15 (protocadherin related 15; minus strand). Cytogenetic location: 10q21.1.
Variant type: single nucleotide variant.
Coding change: c.416A>T on transcript NM_001384140.1 (MANE Select); coding-DNA position 416, A replaced by T.
Protein change: p.Asp139Val; replaces aspartic acid 139 with valine.
Molecular consequence: missense variant.
Genome position (GRCh38, 1-based): chr10:54,369,178, T>A on the plus strand (A>T on the coding strand, the complement: PCDH15 is on the minus strand). VCF-style: chr10-54369178-T-A. GRCh37 (hg19) VCF-style: chr10-56128938-T-A.
Other names: c.431A>T, p.Asp144Val (NM_001142763.2, NM_001142769.4, NM_001142771.2); c.416A>T, p.Asp139Val (NM_001142764.2, NM_001142765.2, NM_001142766.2 and 8 more transcripts); c.350A>T, p.Asp117Val (NM_001142768.2, NM_001142773.2, NM_001354404.2); short protein forms D144V, D117V, D139V.
Identifiers: ClinVar variation 2004936 (VCV002004936.4), dbSNP rs2547832836, ClinGen allele CA376542190.

ClinVar aggregate classification (germline): Uncertain significance (1 of 4 stars; one submission).

Submission:

Labcorp Genetics (formerly Invitae), Labcorp
Classification: Uncertain significance. Last evaluated: 2022-11-01. Review status: criteria provided, single submitter. Criteria: Invitae Variant Classification Sherloc (09022015). Collection method: clinical testing. Allele origin: germline.
Comment: This sequence change replaces aspartic acid, which is acidic and polar, with valine, which is neutral and non-polar, at codon 139 of the PCDH15 protein (p.Asp139Val). This variant is not present in population databases (gnomAD no frequency). This variant has not been reported in the literature in individuals affected with PCDH15-related conditions. Advanced modeling of protein sequence and biophysical properties (such as structural, functional, and spatial information, amino acid conservation, physicochemical variation, residue mobility, and thermodynamic stability) performed at Invitae indicates that this missense variant is expected to disrupt PCDH15 protein function. In summary, the available evidence is currently insufficient to determine the role of this variant in disease. Therefore, it has been classified as a Variant of Uncertain Significance.